The following is an entry in ClinVar:

NM_000443.4(ABCB4):c.1546A>G (p.Met516Val)

Gene: ABCB4 (ATP binding cassette subfamily B member 4; minus strand). Cytogenetic location: 7q21.12.
Variant type: single nucleotide variant.
Coding change: c.1546A>G on transcript NM_000443.4 (MANE Select); coding-DNA position 1546, A replaced by G.
Protein change: p.Met516Val; replaces methionine 516 with valine.
Molecular consequence: missense variant.
Genome position (GRCh38, 1-based): chr7:87,440,213, T>C on the plus strand (A>G on the coding strand, the complement: ABCB4 is on the minus strand). VCF-style: chr7-87440213-T-C. GRCh37 (hg19) VCF-style: chr7-87069529-T-C.
Other names: c.1546A>G, p.Met516Val (NM_018849.3, NM_018850.3); c.1546A>G (NM_000443.3); short protein forms M516V.
Identifiers: ClinVar variation 4846560 (VCV004846560.2).
Genomic context (GRCh38, chr7:87,440,213, plus strand): 5'-GGTGAAATTCTAATTTCAAGGACAACTACTTTATCAGAGGCTTTACCTGTGGTAATTTCA[T>C]GATAAACTCATAGGCGTTGGCCTCTTTGACAGCTTTCTTTATCTCATCCATGGTTACATT-3'
Protein context (NP_000434.1, residues 506-526): VKEANAYEFI[Met516Val]KLPQKFDTLV

ClinVar aggregate classification (germline): Uncertain significance. Review status: criteria provided, multiple submitters, no conflicts (2 of 4 stars). 2 submissions from 2 submitters: Uncertain significance (2). Last evaluated 2026-04-14.

Conditions:
Low phospholipid associated cholelithiasis (GBD1). Also called: Gallbladder disease 1; Gallstone cholecystitis. Identifiers: Orphanet 69663, MedGen C2609268, MONDO:0010939, OMIM 600803.
Familial intrahepatic cholestasis. Identifiers: Orphanet 284385, MedGen CN296401, MONDO:0017290.
ABCB4-related disorder. Also called: ABCB4-related disorders; ABCB4-related condition.

gnomAD v4.1: 1 of 1,614,130 alleles (0.000062%); highest among the groups gnomAD compares: East Asian, 0.0022%; no homozygotes.

Submissions (2):

Genomenon, Inc
Classification: Uncertain significance for Familial intrahepatic cholestasis; Low phospholipid associated cholelithiasis. Last evaluated: 2026-04-14. Review status: criteria provided, single submitter. Criteria: Genomenon Sequence Variant Interpretation Standards - Updated. Collection method: curation. Allele origin: germline. Affected: yes.
Comment: ABCB4 p.Met516Val (c.1546A>G) is a missense variant that changes the amino acid at residue 516 from Methionine to Valine. This variant has been observed in at least one proband with an ABCB4-related disorder (PMID:32893960). It is absent or not present at a significant frequency in gnomAD. In conclusion, we classify ABCB4 p.Met516Val (c.1546A>G) as a variant of uncertain significance.

PreventionGenetics, part of Exact Sciences
Classification: Uncertain significance for ABCB4-related condition. Last evaluated: 2024-10-16. Review status: criteria provided, single submitter. Criteria: ACMG Guidelines, 2015. Collection method: clinical testing. Allele origin: germline.
Comment: The ABCB4 c.1546A>G variant is predicted to result in the amino acid substitution p.Met516Val. This variant was reported in an individual with intrahepatic cholestasis of pregnancy and low phospholipid associated cholelithiasis (de Vries et al. 2020. PubMed ID: 32893960). This variant is reported in 0.0054% of alleles in individuals of East Asian descent in gnomAD. At this time, the clinical significance of this variant is uncertain due to the absence of conclusive functional and genetic evidence.

Literature cited by the submitters: PubMed 32893960 (cited by Genomenon, Inc).